The following is an entry in ClinVar:

ClinVar aggregate classification (germline): Conflicting classifications of pathogenicity. Review status: criteria provided, conflicting classifications (1 of 4 stars). 3 submissions from 3 submitters: Likely pathogenic (2); Uncertain significance (1). Last evaluated 2026-01-02.

Conditions:
Hereditary cancer-predisposing syndrome. Also called: Hereditary Cancer Syndrome; Neoplastic Syndromes, Hereditary; Hereditary neoplastic syndrome; Tumor predisposition. Identifiers: Orphanet 140162, MedGen C0027672, MeSH D009386, MONDO:0015356.
Hereditary nonpolyposis colorectal neoplasms. Identifiers: MedGen C0009405, MeSH D003123.

Submissions (3):

Labcorp Genetics (formerly Invitae), Labcorp
Classification: Likely pathogenic for Hereditary nonpolyposis colorectal neoplasms. Last evaluated: 2026-01-02. Review status: criteria provided, single submitter. Criteria: Invitae Variant Classification Sherloc (09022015). Collection method: clinical testing. Allele origin: germline.
Comment: This sequence change replaces glycine, which is neutral and non-polar, with arginine, which is basic and polar, at codon 1134 of the MSH6 protein (p.Gly1134Arg). This variant is not present in population databases (gnomAD no frequency). This missense change has been observed in individuals with Lynch syndrome (internal data). ClinVar contains an entry for this variant (Variation ID: 428300). Invitae Evidence Modeling incorporating data from in vitro experimental studies (internal data) indicates that this missense variant is expected to disrupt MSH6 function with a positive predictive value of 95%. In summary, the currently available evidence indicates that the variant is pathogenic, but additional data are needed to prove that conclusively. Therefore, this variant has been classified as Likely Pathogenic.

Ambry Genetics
Classification: Likely pathogenic for Hereditary cancer-predisposing syndrome. Last evaluated: 2024-04-03. Review status: criteria provided, single submitter. Criteria: Ambry Variant Classification Scheme 2023. Collection method: clinical testing. Allele origin: germline.
Comment: The p.G1134R variant (also known as c.3400G>C), located in coding exon 5 of the MSH6 gene, results from a G to C substitution at nucleotide position 3400. The glycine at codon 1134 is replaced by arginine, an amino acid with dissimilar properties. This amino acid position is highly conserved in available vertebrate species. In addition, this alteration is predicted to be deleterious by in silico analysis. Based on the majority of available evidence to date, this variant is likely to be pathogenic.

GeneDx
Classification: Uncertain significance. Last evaluated: 2017-03-17. Review status: criteria provided, single submitter. Criteria: GeneDx Variant Classification (06012015). Collection method: clinical testing. Allele origin: germline. Affected: yes.
Comment: This variant is denoted MSH6 c.3400G>C at the cDNA level, p.Gly1134Arg (G1134R) at the protein level, and results in the change of a Glycine to an Arginine (GGA>CGA). This variant was observed in at least one individual undergoing multi-gene panel testing (LaDuca 2017). MSH6 Gly1134Arg was not observed in large population cohorts (NHLBI Exome Sequencing Project, The 1000 Genomes Consortium 2015, Lek 2016). Since Glycine and Arginine differ in polarity, charge, size or other properties, this is considered a non-conservative amino acid substitution. MSH6 Gly1134Arg occurs at a position that is conserved across species and is located within the ATPase domain and within the ATP-binding motif (Kariola 2002). In silico analyses predict that this variant is probably damaging to protein structure and function. Based on currently available evidence, it is unclear whether MSH6 Gly1134Arg is a pathogenic or benign variant. We consider it to be a variant of uncertain significance.

NM_000179.3(MSH6):c.3400G>C (p.Gly1134Arg)

Gene: MSH6 (mutS homolog 6; plus strand). Cytogenetic location: 2p16.3.
Variant type: single nucleotide variant.
Coding change: c.3400G>C on transcript NM_000179.3 (MANE Select); coding-DNA position 3400, G replaced by C.
Protein change: p.Gly1134Arg; replaces glycine 1134 with arginine.
Molecular consequence: missense variant.
Genome position (GRCh38, 1-based): chr2:47,803,647, G>C. VCF-style: chr2-47803647-G-C. GRCh37 (hg19) VCF-style: chr2-48030786-G-C.
Other names: c.3010G>C, p.Gly1004Arg (NM_001281492.2); c.2494G>C, p.Gly832Arg (NM_001281493.2, NM_001281494.2); short protein forms G1134R, G1004R, G832R.
Identifiers: ClinVar variation 428300 (VCV000428300.15), dbSNP rs1114167697, ClinGen allele CA346758871.